The following is an entry in ClinVar:

ClinVar aggregate classification (germline): Uncertain significance. Review status: criteria provided, multiple submitters, no conflicts (2 of 4 stars). 4 submissions from 4 submitters: Uncertain significance (4). Last evaluated 2025-03-04.

Conditions:
Hereditary cancer-predisposing syndrome. Also called: Tumor predisposition; Hereditary neoplastic syndrome; Neoplastic Syndromes, Hereditary; Hereditary Cancer Syndrome. Identifiers: Orphanet 140162, MedGen C0027672, MeSH D009386, MONDO:0015356.
Familial cancer of breast. Also called: hereditary breast carcinoma; BREAST CANCER, FAMILIAL; Hereditary breast cancer. Identifiers: Orphanet 227535, MedGen C0346153, MONDO:0016419, OMIM 114480. Disease mechanism: loss of function.
Fanconi anemia complementation group J. Also called: BRIP1-Related Fanconi Anemia. Identifiers: Orphanet 84, MedGen C1836860, MONDO:0012187, OMIM 609054.

gnomAD v4.1: 1 of 1,613,598 alleles (0.000062%); highest among the groups gnomAD compares: Non-Finnish European, 0.000085%; no homozygotes.

Submissions (4):

Center for Genomic Medicine, Rigshospitalet, Copenhagen University Hospital
Classification: Uncertain significance. Last evaluated: 2025-03-04. Review status: criteria provided, single submitter. Criteria: ACMG Guidelines, 2015. Collection method: clinical testing. Allele origin: germline.

Labcorp Genetics (formerly Invitae), Labcorp
Classification: Uncertain significance for Familial cancer of breast; Fanconi anemia complementation group J. Last evaluated: 2025-01-01. Review status: criteria provided, single submitter. Criteria: Invitae Variant Classification Sherloc (09022015). Collection method: clinical testing. Allele origin: germline.
Comment: This sequence change replaces glycine, which is neutral and non-polar, with arginine, which is basic and polar, at codon 978 of the BRIP1 protein (p.Gly978Arg). This variant is not present in population databases (gnomAD no frequency). This variant has not been reported in the literature in individuals affected with BRIP1-related conditions. ClinVar contains an entry for this variant (Variation ID: 1464898). Invitae Evidence Modeling of protein sequence and biophysical properties (such as structural, functional, and spatial information, amino acid conservation, physicochemical variation, residue mobility, and thermodynamic stability) indicates that this missense variant is not expected to disrupt BRIP1 protein function with a negative predictive value of 95%. In summary, the available evidence is currently insufficient to determine the role of this variant in disease. Therefore, it has been classified as a Variant of Uncertain Significance.

Ambry Genetics
Classification: Uncertain significance for Hereditary cancer-predisposing syndrome. Last evaluated: 2022-10-05. Review status: criteria provided, single submitter. Criteria: Ambry Variant Classification Scheme 2023. Collection method: clinical testing. Allele origin: germline.
Comment: The p.G978R variant (also known as c.2932G>C), located in coding exon 19 of the BRIP1 gene, results from a G to C substitution at nucleotide position 2932. The glycine at codon 978 is replaced by arginine, an amino acid with dissimilar properties. This amino acid position is conserved. In addition, this alteration is predicted to be tolerated by in silico analysis. Since supporting evidence is limited at this time, the clinical significance of this alteration remains unclear.

Blueprint Genetics
Classification: Uncertain significance. Last evaluated: 2022-06-13. Review status: criteria provided, single submitter. Criteria: ACMG Guidelines, 2015. Collection method: clinical testing. Allele origin: germline.

NM_032043.3(BRIP1):c.2932G>C (p.Gly978Arg)

Gene: BRIP1 (BRCA1 interacting DNA helicase 1; minus strand). Cytogenetic location: 17q23.2.
Variant type: single nucleotide variant.
Coding change: c.2932G>C on transcript NM_032043.3 (MANE Select); coding-DNA position 2932, G replaced by C.
Protein change: p.Gly978Arg; replaces glycine 978 with arginine.
Molecular consequence: missense variant.
Genome position (GRCh38, 1-based): chr17:61,684,114, C>G on the plus strand (G>C on the coding strand, the complement: BRIP1 is on the minus strand). VCF-style: chr17-61684114-C-G. GRCh37 (hg19) VCF-style: chr17-59761475-C-G.
Other names: short protein forms G978R.
Identifiers: ClinVar variation 1464898 (VCV001464898.14), dbSNP rs2061326304, ClinGen allele CA400480716.